The following is an entry in ClinVar:

ClinVar aggregate classification (germline): Benign/Likely benign. Review status: criteria provided, multiple submitters, no conflicts (2 of 4 stars). 10 submissions from 10 submitters: Benign (1); Likely benign (6). 3 of the submissions do not count toward it. Last evaluated 2026-05-20.

Conditions:
ANKRD11-related disorder. Also called: ANKRD11-related condition.
Inborn genetic diseases. Identifiers: MedGen C0950123, MeSH D030342.
KBG syndrome (KBGS). Also called: ANKRD11-Related KBG Syndrome. Identifiers: Orphanet 2332, MedGen C0220687, MONDO:0007846, OMIM 148050.

Allele frequency attached by ClinVar (database versions not stated): gnomAD 0.00013 and 0.00014; TOPMed 0.00013; 1000 Genomes Project 0.00020; gnomAD exomes 0.00026; 1000 Genomes Project 30x 0.00031; ExAC 0.00034.
gnomAD v4.1: 448 of 1,614,104 alleles (0.028%); highest among the groups gnomAD compares: Non-Finnish European, 0.035%; 1 homozygote.

Submissions (10):

Women's Health and Genetics/Laboratory Corporation of America, LabCorp
Classification: Likely benign. Last evaluated: 2026-05-20. Review status: criteria provided, single submitter. Criteria: LabCorp Variant Classification Summary - May 2015. Collection method: clinical testing. Allele origin: germline.
Comment: Variant summary: ANKRD11 c.4235T>C (p.Ile1412Thr) results in a non-conservative amino acid change in the encoded protein sequence. Algorithms developed to predict the effect of missense changes on protein structure and function are either unavailable or do not agree on the potential impact of this missense change. The variant allele was found at a frequency of 0.00026 in 251464 control chromosomes in the gnomAD database, including 1 homozygote. The observed variant frequency exceeds the estimated maximal expected allele frequency for disease-causing variants in ANKRD11, providing supporting evidence for a benign role. To our knowledge, no occurrence of c.4235T>C in individuals affected with ANKRD11-related conditions and no experimental evidence demonstrating its impact on protein function have been reported. ClinVar contains an entry for this variant (Variation ID: 377179). Based on the evidence outlined above, the variant was classified as likely benign.

Labcorp Genetics (formerly Invitae), Labcorp
Classification: Likely benign for KBG syndrome. Last evaluated: 2025-11-24. Review status: criteria provided, single submitter. Criteria: Invitae Variant Classification Sherloc (09022015). Collection method: clinical testing. Allele origin: germline.

Ambry Genetics
Classification: Benign for Inborn genetic diseases. Last evaluated: 2025-07-21. Review status: criteria provided, single submitter. Criteria: Ambry Variant Classification Scheme 2023. Collection method: clinical testing. Allele origin: germline.

Laboratory of Genetics, Children's Clinical University Hospital Latvia
Classification: Likely benign. Last evaluated: 2025-02-16. Review status: criteria provided, single submitter. Criteria: ACMG Guidelines, 2015. Collection method: clinical testing. Allele origin: germline. Affected: yes.

Blueprint Genetics
Classification: Likely benign. Last evaluated: 2024-02-24. Review status: criteria provided, single submitter. Criteria: ACMG Guidelines, 2015. Collection method: clinical testing. Allele origin: germline.

GeneDx
Classification: Likely benign. Last evaluated: 2021-08-23. Review status: criteria provided, single submitter. Criteria: GeneDx Variant Classification Process June 2021. Collection method: clinical testing. Allele origin: germline. Affected: yes.

Center for Pediatric Genomic Medicine, Children's Mercy Hospital and Clinics
Classification: Likely benign. Last evaluated: 2016-09-12. Review status: criteria provided, single submitter. Criteria: ACMG Guidelines, 2015. Collection method: clinical testing. Allele origin: germline.
ClinVar note: Converted during submission from Likely Benign to Likely benign.

PreventionGenetics, part of Exact Sciences
Classification: Likely benign for ANKRD11-related condition. Last evaluated: 2024-02-02. Review status: no assertion criteria provided. Collection method: clinical testing. Allele origin: germline. Not counted in ClinVar's aggregate classification.
Comment: This variant is classified as likely benign based on ACMG/AMP sequence variant interpretation guidelines (Richards et al. 2015 PMID: 25741868, with internal and published modifications).

Genome Diagnostics Laboratory, University Medical Center Utrecht
Classification: Likely benign. Review status: no assertion criteria provided. Collection method: clinical testing. Allele origin: germline. Affected: yes. Study: VKGL Data-share Consensus. Not counted in ClinVar's aggregate classification.

Laboratory of Diagnostic Genome Analysis, Leiden University Medical Center (LUMC)
Classification: Likely benign. Review status: no assertion criteria provided. Collection method: clinical testing. Allele origin: germline. Affected: yes. Study: VKGL Data-share Consensus. Not counted in ClinVar's aggregate classification.

NM_013275.6(ANKRD11):c.4235T>C (p.Ile1412Thr)

Gene: ANKRD11 (ankyrin repeat domain 11; minus strand). Cytogenetic location: 16q24.3.
Variant type: single nucleotide variant.
Coding change: c.4235T>C on transcript NM_013275.6 (MANE Select); coding-DNA position 4235, T replaced by C.
Protein change: p.Ile1412Thr; replaces isoleucine 1412 with threonine.
Molecular consequence: missense variant.
Genome position (GRCh38, 1-based): chr16:89,282,307, A>G on the plus strand (T>C on the coding strand, the complement: ANKRD11 is on the minus strand). VCF-style: chr16-89282307-A-G. GRCh37 (hg19) VCF-style: chr16-89348715-A-G.
Other names: c.4235T>C, p.Ile1412Thr (NM_001256182.2, NM_001256183.2); short protein forms I1412T.
Identifiers: ClinVar variation 377179 (VCV000377179.18), dbSNP rs578198369, ClinGen allele CA8242176.